The following is an entry in ClinVar:

ClinVar aggregate classification (germline): Uncertain significance (1 of 4 stars; one submission).

Conditions:
Acrocallosal syndrome (ACLS). Also called: Schinzel syndrome 1; Absence of corpus callosum with unusual facial appearance, mental deficiency, duplication of the halluces and polydactyly; HALLUX DUPLICATION, POSTAXIAL POLYDACTYLY, AND ABSENCE OF CORPUS CALLOSUM. Identifiers: Orphanet 36, MedGen C0796147, MONDO:0008708, OMIM 200990.

gnomAD v4.1: 1 of 1,613,034 alleles (0.000062%); highest among the groups gnomAD compares: African/African-American, 0.0013%; no homozygotes.

Submission:

Labcorp Genetics (formerly Invitae), Labcorp
Classification: Uncertain significance for Acrocallosal syndrome. Last evaluated: 2022-02-02. Review status: criteria provided, single submitter. Criteria: Invitae Variant Classification Sherloc (09022015). Collection method: clinical testing. Allele origin: germline.
Comment: This sequence change replaces isoleucine, which is neutral and non-polar, with methionine, which is neutral and non-polar, at codon 1190 of the KIF7 protein (p.Ile1190Met). This variant is not present in population databases (gnomAD no frequency). This variant has not been reported in the literature in individuals affected with KIF7-related conditions. Algorithms developed to predict the effect of missense changes on protein structure and function are either unavailable or do not agree on the potential impact of this missense change (SIFT: "Deleterious"; PolyPhen-2: "Probably Damaging"; Align-GVGD: "Class C0"). In summary, the available evidence is currently insufficient to determine the role of this variant in disease. Therefore, it has been classified as a Variant of Uncertain Significance.

NM_198525.3(KIF7):c.3570T>G (p.Ile1190Met)

Genes: KIF7 (kinesin family member 7; minus strand), LOC126862216 (BRD4-independent group 4 enhancer GRCh37_chr15:90171995-90173194; plus strand). Cytogenetic location: 15q26.1.
Variant type: single nucleotide variant.
Coding change: c.3570T>G on transcript NM_198525.3 (MANE Select); coding-DNA position 3570, T replaced by G.
Protein change: p.Ile1190Met; replaces isoleucine 1190 with methionine.
Molecular consequence: missense variant.
Genome position (GRCh38, 1-based): chr15:89,629,070, A>C on the plus strand (T>G on the coding strand, the complement: KIF7 is on the minus strand). VCF-style: chr15-89629070-A-C. GRCh37 (hg19) VCF-style: chr15-90172301-A-C.
Other names: short protein forms I1190M.
Identifiers: ClinVar variation 1421652 (VCV001421652.7), dbSNP rs1408166081, ClinGen allele CA393754105.